The following is an entry in ClinVar:

ClinVar aggregate classification (germline): Uncertain significance (1 of 4 stars; one submission).

Submission:

Labcorp Genetics (formerly Invitae), Labcorp
Classification: Uncertain significance. Last evaluated: 2025-02-25. Review status: criteria provided, single submitter. Criteria: Invitae Variant Classification Sherloc (09022015). Collection method: clinical testing. Allele origin: germline.
Comment: This sequence change replaces methionine, which is neutral and non-polar, with arginine, which is basic and polar, at codon 863 of the KANK4 protein (p.Met863Arg). This variant is present in population databases (rs753557460, gnomAD 0.008%). This variant has not been reported in the literature in individuals affected with KANK4-related conditions. An algorithm developed to predict the effect of missense changes on protein structure and function (PolyPhen-2) suggests that this variant is likely to be tolerated. In summary, the available evidence is currently insufficient to determine the role of this variant in disease. Therefore, it has been classified as a Variant of Uncertain Significance.

NM_181712.5(KANK4):c.2588T>G (p.Met863Arg)

Gene: KANK4 (KN motif and ankyrin repeat domains 4; minus strand). Cytogenetic location: 1p31.3.
Variant type: single nucleotide variant.
Coding change: c.2588T>G on transcript NM_181712.5 (MANE Select); coding-DNA position 2588, T replaced by G.
Protein change: p.Met863Arg; replaces methionine 863 with arginine.
Molecular consequence: missense variant.
Genome position (GRCh38, 1-based): chr1:62,253,161, A>C on the plus strand (T>G on the coding strand, the complement: KANK4 is on the minus strand). VCF-style: chr1-62253161-A-C. GRCh37 (hg19) VCF-style: chr1-62718833-A-C.
Other names: c.704T>G, p.Met235Arg (NM_001320269.2); short protein forms M863R, M235R.
Identifiers: ClinVar variation 4748473 (VCV004748473.1).